The following is an entry in ClinVar:

ClinVar aggregate classification (germline): Likely pathogenic (1 of 4 stars; one submission).

Conditions:
alpha Thalassemia. Also called: Alpha thalassemia spectrum. Identifiers: Orphanet 846, MedGen C0002312, MONDO:0011399, OMIM 604131.

Submission:

Natera, Inc.
Classification: Likely pathogenic for Alpha thalassemia. Last evaluated: 2025-11-25. Review status: criteria provided, single submitter. Criteria: Natera Variant Classification Schema (03/2026). Collection method: clinical testing. Allele origin: germline.
Comment: The c.345_418del variant in HBA2 is a frameshift variant predicted to elongate the protein beyond the termination codon. This variant is expected to result in nonsense mediated decay, truncation, or a dysfunctional protein product. This variant is rare in the general population with a frequency below the threshold expected for the associated phenotype(s). Given the available evidence, this variant is classified as Likely Pathogenic.

NM_000517.6(HBA2):c.345_418del (p.Ala116fs)

Genes: HBA2 (hemoglobin subunit alpha 2; plus strand), LOC106804612 (hemoglobin subunit alpha 2 recombination region; plus strand). Cytogenetic location: 16p13.3.
Variant type: Deletion.
Coding change: c.345_418del on transcript NM_000517.6 (MANE Select); coding-DNA positions 345 to 418, 74 bases deleted.
Protein change: p.Ala116fs; shifts the reading frame from alanine 116.
Molecular consequence: frameshift variant.
Genome position (GRCh38, 1-based): chr16:173,516-173,589, 74 bases deleted. GRCh37 (hg19): chr16:223,515-223,588.
Other names: short protein forms A116fs.
Identifiers: ClinVar variation 4818667 (VCV004818667.1).